The following is an entry in ClinVar:

ClinVar aggregate classification (germline): Conflicting classifications of pathogenicity. Review status: criteria provided, conflicting classifications (1 of 4 stars). 8 submissions from 8 submitters: Uncertain significance (2); Likely benign (6). Last evaluated 2026-01-12.

Conditions:
Cardiovascular phenotype. Identifiers: MedGen CN230736.
Dilated cardiomyopathy 1G (CMD1G). Identifiers: Orphanet 154, MedGen C1858763, MONDO:0011400, OMIM 604145.
Autosomal recessive limb-girdle muscular dystrophy type 2J (LGMDR10). Also called: Limb-girdle muscular dystrophy, type 2J; MUSCULAR DYSTROPHY, LIMB-GIRDLE, AUTOSOMAL RECESSIVE 10. Identifiers: Orphanet 140922, MedGen C1837342, MONDO:0012127, OMIM 608807.
Cardiomyopathy (CMYO). Also called: Cardiomyopathies. Identifiers: Orphanet 167848, MedGen C0878544, MONDO:0004994, HP:0001638. Inheritance: Various modes of inheritance.

Allele frequency attached by ClinVar (database versions not stated): ExAC 0.00001; gnomAD exomes 0.00003 and 0.00008; gnomAD 0.00005; TOPMed 0.00005.
gnomAD v4.1: 127 of 1,604,656 alleles (0.0079%); highest among the groups gnomAD compares: Non-Finnish European, 0.01%; no homozygotes.

Submissions (8):

Labcorp Genetics (formerly Invitae), Labcorp
Classification: Likely benign for Dilated cardiomyopathy 1G; Autosomal recessive limb-girdle muscular dystrophy type 2J. Last evaluated: 2026-01-12. Review status: criteria provided, single submitter. Criteria: Invitae Variant Classification Sherloc (09022015). Collection method: clinical testing. Allele origin: germline.

CeGaT Center for Human Genetics Tuebingen
Classification: Likely benign. Last evaluated: 2023-12-01. Review status: criteria provided, single submitter. Criteria: CeGaT Center For Human Genetics Tuebingen Variant Classification Criteria Version 2. Collection method: clinical testing. Allele origin: germline. Affected: yes. Observed: 1 variant allele.
Comment: TTN: BP4, BP7

Blueprint Genetics
Classification: Likely benign. Last evaluated: 2023-10-25. Review status: criteria provided, single submitter. Criteria: ACMG Guidelines, 2015. Collection method: clinical testing. Allele origin: germline.

Ambry Genetics
Classification: Likely benign for Cardiovascular phenotype. Last evaluated: 2022-02-14. Review status: criteria provided, single submitter. Criteria: Ambry Variant Classification Scheme 2023. Collection method: clinical testing. Allele origin: germline.

GeneDx
Classification: Likely benign. Last evaluated: 2019-04-30. Review status: criteria provided, single submitter. Criteria: GeneDx Variant Classification Process June 2021. Collection method: clinical testing. Allele origin: germline. Affected: yes.

CHEO Genetics Diagnostic Laboratory, Children's Hospital of Eastern Ontario
Classification: Uncertain significance for Cardiomyopathy. Last evaluated: 2019-03-29. Review status: criteria provided, single submitter. Criteria: ACMG Guidelines, 2015. Collection method: clinical testing. Allele origin: germline.

Eurofins Ntd Llc (ga)
Classification: Uncertain significance. Last evaluated: 2018-06-27. Review status: criteria provided, single submitter. Criteria: EGL ClinVar v180209 classification definitions. Collection method: clinical testing. Allele origin: germline. Observed: 2 variant alleles, 2 heterozygotes.

Laboratory for Molecular Medicine, Mass General Brigham Personalized Medicine
Classification: Likely benign. Last evaluated: 2015-06-10. Review status: criteria provided, single submitter. Criteria: LMM Criteria. Collection method: clinical testing. Allele origin: germline. Observed: 2 variant alleles.
Comment: p.Gly29142Gly in exon 292 of TTN: This variant is not expected to have clinical significance because it does not alter an amino acid residue and is not located within the splice consensus sequence. It has been identified in 1/65448 European chromosomes by the Exome Aggregation Consortium (ExAC).

NM_001267550.2(TTN):c.95130C>A (p.Gly31710=)

Genes: TTN (titin; minus strand), TTN-AS1 (TTN antisense RNA 1; plus strand). Cytogenetic location: 2q31.2.
Variant type: single nucleotide variant.
Coding change: c.95130C>A on transcript NM_001267550.2 (MANE Select); coding-DNA position 95130, C replaced by A.
Protein change: p.Gly31710=; no amino-acid change (glycine 31710 retained).
Molecular consequence: synonymous variant.
Genome position (GRCh38, 1-based): chr2:178,546,106, G>T on the plus strand (C>A on the coding strand, the complement: TTN is on the minus strand). VCF-style: chr2-178546106-G-T. GRCh37 (hg19) VCF-style: chr2-179410833-G-T.
Other names: c.90207C>A, p.Gly30069= (NM_001256850.1); c.67935C>A, p.Gly22645= (NM_003319.4); c.68310C>A, p.Gly22770= (NM_133432.3); c.68511C>A, p.Gly22837= (NM_133437.4); c.87426C>A, p.Gly29142= (NM_133378.4).
Identifiers: ClinVar variation 179418 (VCV000179418.45), dbSNP rs727504857, ClinGen allele CA184386.
Genomic context (GRCh38, chr2:178,546,106, plus strand): 5'-GCTCCAGGCTAAAGTGCACTTCTCCTGTGTTACTCTGCTGACGGTGAGCTTTCCACATGG[G>T]CCAGGGGAATCTGAAACAGGTGTAATGACAAGCCATGATGAAGATCATTCTTTCTGCCCA-3'
Protein context (NP_001254479.2, residues 31700-31720): SVMVKVLDSP[Gly31710=]PCGKLTVSRV